The following is an entry in ClinVar:

ClinVar aggregate classification (germline): Uncertain significance (1 of 4 stars; one submission).

Conditions:
Cholestanol storage disease (CTX). Also called: CEREBRAL CHOLESTERINOSIS; CTX: Cerebrotendinous xanthomatosis; Cerebrotendinous Xanthomatosis. Identifiers: Orphanet 909, MedGen C0238052, MONDO:0008948, OMIM 213700.

Submission:

Labcorp Genetics (formerly Invitae), Labcorp
Classification: Uncertain significance for Cholestanol storage disease. Last evaluated: 2022-03-25. Review status: criteria provided, single submitter. Criteria: Invitae Variant Classification Sherloc (09022015). Collection method: clinical testing. Allele origin: germline.
Comment: This variant has not been reported in the literature in individuals affected with CYP27A1-related conditions. In summary, the available evidence is currently insufficient to determine the role of this variant in disease. Therefore, it has been classified as a Variant of Uncertain Significance. Algorithms developed to predict the effect of missense changes on protein structure and function are either unavailable or do not agree on the potential impact of this missense change (SIFT: "Deleterious"; PolyPhen-2: "Possibly Damaging"; Align-GVGD: "Class C0"). This variant is not present in population databases (gnomAD no frequency). This sequence change replaces leucine, which is neutral and non-polar, with proline, which is neutral and non-polar, at codon 290 of the CYP27A1 protein (p.Leu290Pro).

NM_000784.4(CYP27A1):c.869T>C (p.Leu290Pro)

Gene: CYP27A1 (cytochrome P450 family 27 subfamily A member 1; plus strand). Cytogenetic location: 2q35.
Variant type: single nucleotide variant.
Coding change: c.869T>C on transcript NM_000784.4 (MANE Select); coding-DNA position 869, T replaced by C.
Protein change: p.Leu290Pro; replaces leucine 290 with proline.
Molecular consequence: missense variant.
Genome position (GRCh38, 1-based): chr2:218,812,948, T>C. VCF-style: chr2-218812948-T-C. GRCh37 (hg19) VCF-style: chr2-219677671-T-C.
Other names: short protein forms L290P.
Identifiers: ClinVar variation 2116672 (VCV002116672.4), dbSNP rs2470227450, ClinGen allele CA350588067.
Genomic context (GRCh38, chr2:218,812,948, plus strand): 5'-GGCTTTGTCCTTTCCTCTTCTCTGTTGCTTTCACAGGGAAGAAGCTGATTGATGAGAAGC[T>C]CGAAGATATGGAGGCCCAACTGCAGGCAGCAGGGCCAGATGGCATCCAGGTGTCTGGCTA-3'
Protein context (NP_000775.1, residues 280-300): SFGKKLIDEK[Leu290Pro]EDMEAQLQAA